The following is an entry in ClinVar:

NM_001284236.3(ZFYVE16):c.3755G>C (p.Gly1252Ala)

Gene: ZFYVE16 (zinc finger FYVE-type containing 16; plus strand). Cytogenetic location: 5q14.1.
Variant type: single nucleotide variant.
Coding change: c.3755G>C on transcript NM_001284236.3 (MANE Select); coding-DNA position 3755, G replaced by C.
Protein change: p.Gly1252Ala; replaces glycine 1252 with alanine.
Molecular consequence: missense variant. On other transcripts: non-coding transcript variant (3).
Genome position (GRCh38, 1-based): chr5:80,456,525, G>C. VCF-style: chr5-80456525-G-C. GRCh37 (hg19) VCF-style: chr5-79752344-G-C.
Other names: c.3755G>C, p.Gly1252Ala (NM_001105251.4, NM_001349434.2, NM_014733.6); short protein forms G1252A.
Identifiers: ClinVar variation 545560 (VCV000545560.2), dbSNP rs1561310640, ClinGen allele CA360272194.

ClinVar aggregate classification (germline): Uncertain significance (0 of 4 stars; one submission).

Conditions:
Dextrocardia. Identifiers: Orphanet 1666, MedGen C0011813, MONDO:0015661, HP:0001651.

Submission:

Lupski Lab, Baylor-Hopkins CMG, Baylor College of Medicine
Classification: Uncertain significance for Dextrocardia. Last evaluated: 2018-05-28. Review status: no assertion criteria provided. Collection method: research. Allele origin: germline. Affected: yes. Observed: 1 variant allele.
Comment: This gene has not been previously associated with human disease.